The following is an entry in ClinVar:

ClinVar aggregate classification (germline): Pathogenic (1 of 4 stars; one submission).

Conditions:
Cardiomyopathy (CMYO). Also called: Cardiomyopathies. Identifiers: Orphanet 167848, MedGen C0878544, MONDO:0004994, HP:0001638. Inheritance: Various modes of inheritance.

gnomAD v4.1: 3 of 1,612,356 alleles (0.00019%); highest among the groups gnomAD compares: Non-Finnish European, 0.00025%; no homozygotes.

Submission:

Color Diagnostics, LLC DBA Color Health
Classification: Pathogenic for Cardiomyopathy. Last evaluated: 2025-06-23. Review status: criteria provided, single submitter. Criteria: ACMG Guidelines, 2015. Collection method: clinical testing. Allele origin: germline.
Comment: This variant changes 1 nucleotide in exon 8 of the PKP2 gene, creating a premature translation stop signal. This variant is expected to result in an absent or non-functional protein product. This variant has been reported in an individual affected with arrhythmogenic right ventricular cardiomyopathy (PMID: 27532257). This variant has not been identified in the general population by the Genome Aggregation Database (gnomAD). Loss of PKP2 function is a known mechanism of disease. Based on the available evidence, this variant is classified as Pathogenic.

Literature cited by the submitters: PubMed 27532257.

NM_001005242.3(PKP2):c.1622C>G (p.Ser541Ter)

Gene: PKP2 (plakophilin 2; minus strand). Cytogenetic location: 12p11.21.
Variant type: single nucleotide variant.
Coding change: c.1622C>G on transcript NM_001005242.3 (MANE Select); coding-DNA position 1622, C replaced by G.
Protein change: p.Ser541Ter; replaces serine 541 with a stop codon.
Molecular consequence: nonsense.
Genome position (GRCh38, 1-based): chr12:32,824,097, G>C on the plus strand (C>G on the coding strand, the complement: PKP2 is on the minus strand). VCF-style: chr12-32824097-G-C. GRCh37 (hg19) VCF-style: chr12-32977031-G-C.
Other names: c.1622C>G, p.Ser541Ter (NM_001407155.1, NM_001407156.1, NM_001407161.1); c.1754C>G, p.Ser585Ter (NM_001407157.1, NM_004572.4); c.1295C>G, p.Ser432Ter (NM_001407158.1, NM_001407159.1, NM_001407160.1 and 1 more transcripts); short protein forms S432*, S541*, S585*.
Identifiers: ClinVar variation 4757105 (VCV004757105.1).